The following is an entry in ClinVar:

NM_004273.5(CHST3):c.929G>C (p.Arg310Pro)

Gene: CHST3 (carbohydrate sulfotransferase 3; plus strand). Cytogenetic location: 10q22.1.
Variant type: single nucleotide variant.
Coding change: c.929G>C on transcript NM_004273.5 (MANE Select); coding-DNA position 929, G replaced by C.
Protein change: p.Arg310Pro; replaces arginine 310 with proline.
Molecular consequence: missense variant.
Genome position (GRCh38, 1-based): chr10:72,007,960, G>C. VCF-style: chr10-72007960-G-C. GRCh37 (hg19) VCF-style: chr10-73767718-G-C.
Other names: short protein forms R310P.
Identifiers: ClinVar variation 2133759 (VCV002133759.4), dbSNP rs1263673104, ClinGen allele CA377149250.
Genomic context (GRCh38, chr10:72,007,960, plus strand): 5'-CCCGCCTGGACCTGCGCGTCATCCAGCTGGTGCGCGACCCCCGGGCCGTGCTGGCCTCGC[G>C]CATGGTGGCCTTCGCCGGCAAGTATAAGACCTGGAAGAAGTGGCTGGACGACGAGGGCCA-3'
Protein context (NP_004264.2, residues 300-320): VRDPRAVLAS[Arg310Pro]MVAFAGKYKT

ClinVar aggregate classification (germline): Uncertain significance (1 of 4 stars; one submission).

Conditions:
Spondyloepiphyseal dysplasia with congenital joint dislocations (SEDCJD). Also called: Chondrodysplasia with Congenital Joint Dislocations, CHST3-Related. Identifiers: Orphanet 263463, MedGen C1837657, MONDO:0007738, OMIM 143095.

Submission:

Labcorp Genetics (formerly Invitae), Labcorp
Classification: Uncertain significance for Spondyloepiphyseal dysplasia with congenital joint dislocations. Last evaluated: 2022-05-04. Review status: criteria provided, single submitter. Criteria: Invitae Variant Classification Sherloc (09022015). Collection method: clinical testing. Allele origin: germline.
Comment: This variant has not been reported in the literature in individuals affected with CHST3-related conditions. This variant is present in population databases (no rsID available, gnomAD 0.01%). This sequence change replaces arginine, which is basic and polar, with proline, which is neutral and non-polar, at codon 310 of the CHST3 protein (p.Arg310Pro). Algorithms developed to predict the effect of missense changes on protein structure and function (SIFT, PolyPhen-2, Align-GVGD) all suggest that this variant is likely to be disruptive. In summary, the available evidence is currently insufficient to determine the role of this variant in disease. Therefore, it has been classified as a Variant of Uncertain Significance.